The following is an entry in ClinVar:

NM_005120.3(MED12):c.1753C>T (p.Arg585Ter)

Gene: MED12 (mediator complex subunit 12; plus strand). Cytogenetic location: Xq13.1.
Variant type: single nucleotide variant.
Coding change: c.1753C>T on transcript NM_005120.3 (MANE Select); coding-DNA position 1753, C replaced by T.
Protein change: p.Arg585Ter; replaces arginine 585 with a stop codon.
Molecular consequence: nonsense.
Genome position (GRCh38, 1-based): chrX:71,124,167, C>T. VCF-style: chrX-71124167-C-T. GRCh37 (hg19) VCF-style: chrX-70344017-C-T.
Other names: short protein forms R585*.
Identifiers: ClinVar variation 4795923 (VCV004795923.1).
Genomic context (GRCh38, chrX:71,124,167, plus strand): 5'-GCCCACCTTTTTGTGTTCTCCTAACTTATGTTTCCTCATTCCCTTCCTCCAGCGGACCCT[C>T]GAAGTGAGAGTGAGCGGGTGGAATTCTTTAACTTAGTACTGCTGTTCTGTGAACTGATTC-3'

ClinVar aggregate classification (germline): Likely pathogenic (1 of 4 stars; one submission).

Conditions:
X-linked MED12-related disorders.

Submission:

Variantyx, Inc.
Classification: Likely pathogenic for X-linked MED12-related disorders. Last evaluated: 2025-10-21. Review status: criteria provided, single submitter. Criteria: Variantyx Assertion Criteria 2022. Collection method: clinical testing. Allele origin: maternal. Inheritance: X-linked inheritance.
Comment: This is a nonsense variant in the MED12 gene (OMIM: 300188). Pathogenic variants in this gene have been associated with X-linked MED12-related disorders. This variant introduces a premature termination codon in exon 23 out of 45 and is expected to result in loss of function, which is a known disease mechanism for MED12 in this disorder (PMID: 33244166) (PVS1). This variant is absent from control populations (PM2). Based on the current evidence, this variant is classified as likely pathogenic for X-linked MED12-related disorders.

Literature cited by the submitters: PubMed 33244166.